The following is an entry in ClinVar:

NM_000138.5(FBN1):c.442+89G>A

Gene: FBN1 (fibrillin 1; minus strand). Cytogenetic location: 15q21.1.
Variant type: single nucleotide variant.
Coding change: c.442+89G>A on transcript NM_000138.5 (MANE Select); 89 bases into the intron after coding-DNA position 442, G replaced by A.
Molecular consequence: intron variant.
Genome position (GRCh38, 1-based): chr15:48,600,050, C>T on the plus strand (G>A on the coding strand, the complement: FBN1 is on the minus strand). VCF-style: chr15-48600050-C-T. GRCh37 (hg19) VCF-style: chr15-48892247-C-T.
Identifiers: ClinVar variation 675938 (VCV000675938.1), dbSNP rs114317141, ClinGen allele CA270052030.
Genomic context (GRCh38, chr15:48,600,050, plus strand): 5'-GTGATTTGTTCATCTGTAAAGGTCACTGGACACTTGTAAACATGCTGTGTCCCAGGTAAT[C>T]GAAGAAAATCCATCAGCACTTATCTCTTTATTCTACTTGTCTACAAACAGGTTAACATCT-3'

ClinVar aggregate classification (germline): Likely benign (1 of 4 stars; one submission).

Allele frequency attached by ClinVar (database versions not stated): gnomAD exomes 0.00050; gnomAD 0.00509 and 0.00545; TOPMed 0.00569; 1000 Genomes Project 0.00679; 1000 Genomes Project 30x 0.00828.
gnomAD v4.1: 1,198 of 951,812 alleles (0.13%); highest among the groups gnomAD compares: African/African-American, 1.7%; 6 homozygotes.

Submission:

GeneDx
Classification: Likely benign. Last evaluated: 2018-06-14. Review status: criteria provided, single submitter. Criteria: GeneDx Variant Classification (06012015). Collection method: clinical testing. Allele origin: germline. Affected: yes.
Comment: This variant is considered likely benign or benign based on one or more of the following criteria: it is a conservative change, it occurs at a poorly conserved position in the protein, it is predicted to be benign by multiple in silico algorithms, and/or has population frequency not consistent with disease.